The following is an entry in ClinVar:

ClinVar aggregate classification (germline): Uncertain significance. Review status: criteria provided, multiple submitters, no conflicts (2 of 4 stars). 3 submissions from 3 submitters: Uncertain significance (3). Last evaluated 2024-08-29.

Conditions:
Inborn genetic diseases. Identifiers: MedGen C0950123, MeSH D030342.

Allele frequency attached by ClinVar (database versions not stated): gnomAD 0.00001; TOPMed 0.00002.
gnomAD v4.1: 6 of 1,613,972 alleles (0.00037%); highest among the groups gnomAD compares: East Asian, 0.011%; no homozygotes.

Submissions (3):

Blueprint Genetics
Classification: Uncertain significance. Last evaluated: 2024-08-29. Review status: criteria provided, single submitter. Criteria: ACMG Guidelines, 2015. Collection method: clinical testing. Allele origin: germline.

Ambry Genetics
Classification: Uncertain significance for Inborn genetic diseases. Last evaluated: 2023-09-20. Review status: criteria provided, single submitter. Criteria: Ambry Variant Classification Scheme 2023. Collection method: clinical testing. Allele origin: germline.

Labcorp Genetics (formerly Invitae), Labcorp
Classification: Uncertain significance. Last evaluated: 2022-09-27. Review status: criteria provided, single submitter. Criteria: Invitae Variant Classification Sherloc (09022015). Collection method: clinical testing. Allele origin: germline.
Comment: In summary, the available evidence is currently insufficient to determine the role of this variant in disease. Therefore, it has been classified as a Variant of Uncertain Significance. Advanced modeling of protein sequence and biophysical properties (such as structural, functional, and spatial information, amino acid conservation, physicochemical variation, residue mobility, and thermodynamic stability) performed at Invitae indicates that this missense variant is not expected to disrupt CNGB1 protein function. This variant has not been reported in the literature in individuals affected with CNGB1-related conditions. This variant is present in population databases (no rsID available, gnomAD 0.02%). This sequence change replaces methionine, which is neutral and non-polar, with threonine, which is neutral and polar, at codon 95 of the CNGB1 protein (p.Met95Thr).

NM_001297.5(CNGB1):c.284T>C (p.Met95Thr)

Gene: CNGB1 (cyclic nucleotide gated channel subunit beta 1; minus strand). Cytogenetic location: 16q21.
Variant type: single nucleotide variant.
Coding change: c.284T>C on transcript NM_001297.5 (MANE Select); coding-DNA position 284, T replaced by C.
Protein change: p.Met95Thr; replaces methionine 95 with threonine.
Molecular consequence: missense variant.
Genome position (GRCh38, 1-based): chr16:57,964,136, A>G on the plus strand (T>C on the coding strand, the complement: CNGB1 is on the minus strand). VCF-style: chr16-57964136-A-G. GRCh37 (hg19) VCF-style: chr16-57998040-A-G.
Other names: c.284T>C (NM_001297.4); c.284T>C, p.Met95Thr (NM_001135639.2, NM_001286130.2); short protein forms M95T.
Identifiers: ClinVar variation 1923462 (VCV001923462.7), dbSNP rs745351142, ClinGen allele CA281626875.